The following is an entry in ClinVar:

ClinVar aggregate classification (germline): Conflicting classifications of pathogenicity. Review status: criteria provided, conflicting classifications (1 of 4 stars). 14 submissions from 12 submitters: Uncertain significance (4); Likely benign (6). 4 of the submissions do not count toward it. Last evaluated 2026-01-27.

Conditions:
SLC26A4-related disorder. Also called: SLC26A4-related condition; SLC26A4-related disorders.
Pendred syndrome (PDS). Also called: DEAFNESS WITH GOITER; GOITER-DEAFNESS SYNDROME; HYPOTHYROIDISM, CONGENITAL, DUE TO DYSHORMONOGENESIS, 2B; THYROID DYSHORMONOGENESIS 2B; THYROID HORMONOGENESIS, GENETIC DEFECT IN, 2B; Pendred's syndrome. Identifiers: Orphanet 705, MedGen C0271829, MONDO:0010134, OMIM 274600.
Autosomal recessive nonsyndromic hearing loss 4 (DFNB4). Also called: FOXI1-Related Pendred Syndrome; KCNJ10-Related Pendred Syndrome; Deafness, autosomal recessive 4; DEAFNESS, AUTOSOMAL RECESSIVE 4, WITH ENLARGED VESTIBULAR AQUEDUCT, DIGENIC; NEUROSENSORY NONSYNDROMIC RECESSIVE DEAFNESS 4; Nonsyndromic enlarged vestibular aqueduct (NSEVA). Identifiers: Orphanet 90636, MedGen C3538946, MONDO:0010933, OMIM 600791.

Allele frequency attached by ClinVar (database versions not stated): gnomAD exomes 0.00011 and 0.00033; ExAC 0.00036; gnomAD 0.00133 and 0.00139; TOPMed 0.00142; ESP Exome Variant Server 0.00169; 1000 Genomes Project 0.00260; 1000 Genomes Project 30x 0.00281.
gnomAD v4.1: 371 of 1,613,920 alleles (0.023%); highest among the groups gnomAD compares: African/African-American, 0.43%; 1 homozygote.

Submissions (14):

Labcorp Genetics (formerly Invitae), Labcorp
Classification: Likely benign. Last evaluated: 2026-01-27. Review status: criteria provided, single submitter. Criteria: Invitae Variant Classification Sherloc (09022015). Collection method: clinical testing. Allele origin: germline.

Blueprint Genetics
Classification: Uncertain significance. Last evaluated: 2024-11-05. Review status: criteria provided, single submitter. Criteria: ACMG Guidelines, 2015. Collection method: clinical testing. Allele origin: germline.

Women's Health and Genetics/Laboratory Corporation of America, LabCorp
Classification: Likely benign. Last evaluated: 2023-04-27. Review status: criteria provided, single submitter. Criteria: LabCorp Variant Classification Summary - May 2015. Collection method: clinical testing. Allele origin: germline.
Comment: Variant summary: SLC26A4 c.964A>G (p.Asn322Asp) results in a conservative amino acid change located in the SLC26A/SulP transporter domain (IPR011547) of the encoded protein sequence. Five of five in-silico tools predict a benign effect of the variant on protein function. The variant allele was found at a frequency of 0.00033 in 250902 control chromosomes, predominantly at a frequency of 0.0044 within the African or African-American subpopulation in the gnomAD database. The observed variant frequency within African or African-American control individuals in the gnomAD database is approximately equal to the estimated maximal expected allele frequency for a pathogenic variant in SLC26A4 causing Pendred Syndrome phenotype (0.0035), suggesting that the variant is a benign polymorphism found primarily in populations of African or African-American origin. c.964A>G has been reported in the literature, primarily as an uninformative genotype (i.e. zygosity not specified), in individuals affected with hearing loss/enlarged vestibular aqueduct, without strong evidence for causality (e.g. Madden_2007, Chen_2011, Greinwald_2013). Therefore, these reports do not provide unequivocal conclusions about association of the variant with Pendred Syndrome. To our knowledge, no experimental evidence demonstrating an impact on protein function has been reported. The following publications have been ascertained in the context of this evaluation (PMID: 21704276, 23401162, 17309986). Six clinical diagnostic laboratories have submitted clinical-significance assessments for this variant to ClinVar after 2014 and classified the variant as either likely benign (n=3), or VUS (n=3). Based on the evidence outlined above, the variant was classified as likely benign.

Myriad Genetics, Inc.
Classification: Uncertain significance for Pendred syndrome. Last evaluated: 2021-10-20. Review status: criteria provided, single submitter. Criteria: Myriad Women's Health Autosomal Recessive and X-Linked Classification Criteria (2021). Collection method: clinical testing. Allele origin: unknown.
Comment: NM_000441.1(SLC26A4):c.964A>G(N322D) is a missense variant classified as a variant of uncertain significance in the context of Pendred syndrome. N322D has been observed in cases with relevant disease (PMID: 21704276, 23401162). Functional assessments of this variant are not available in the literature. N322D has been observed in population frequency databases (gnomAD: AFR 0.44%). In summary, there is insufficient evidence to classify NM_000441.1(SLC26A4):c.964A>G(N322D) as pathogenic or benign. Please note: this variant was assessed in the context of healthy population screening.

Genome-Nilou Lab
Classification: Likely benign for Autosomal recessive nonsyndromic hearing loss 4. Last evaluated: 2021-09-05. Review status: criteria provided, single submitter. Criteria: ACMG Guidelines, 2015. Collection method: clinical testing. Allele origin: germline. Affected: no.

Genome-Nilou Lab
Classification: Likely benign for Pendred syndrome. Last evaluated: 2021-09-05. Review status: criteria provided, single submitter. Criteria: ACMG Guidelines, 2015. Collection method: clinical testing. Allele origin: germline. Affected: no.

GeneDx
Classification: Likely benign. Last evaluated: 2020-10-06. Review status: criteria provided, single submitter. Criteria: GeneDx Variant Classification Process June 2021. Collection method: clinical testing. Allele origin: germline. Affected: yes.
Comment: This variant is associated with the following publications: (PMID: 30245029, 27771369, 21704276, 18368581, 25262649, 17309986, 23401162)

Illumina Laboratory Services, Illumina
Classification: Uncertain significance for Autosomal recessive nonsyndromic hearing loss 4. Last evaluated: 2017-04-27. Review status: criteria provided, single submitter. Criteria: ICSL Variant Classification Criteria 13 December 2019. Collection method: clinical testing. Allele origin: germline.
Comment: This variant was observed as part of a predisposition screen in an ostensibly healthy population. A literature search was performed for the gene, cDNA change, and amino acid change (where applicable). Publications were found based on this search. However, the evidence from the literature, in combination with allele frequency data from public databases where available, was not sufficient to rule this variant in or out of causing disease. Therefore, this variant is classified as a variant of unknown significance.

Illumina Laboratory Services, Illumina
Classification: Uncertain significance for Pendred syndrome. Last evaluated: 2017-04-27. Review status: criteria provided, single submitter. Criteria: ICSL Variant Classification Criteria 13 December 2019. Collection method: clinical testing. Allele origin: germline.
Comment: the same text as in the submission from Illumina Laboratory Services, Illumina above.

Laboratory for Molecular Medicine, Mass General Brigham Personalized Medicine
Classification: Likely benign. Last evaluated: 2012-05-07. Review status: criteria provided, single submitter. Criteria: LMM Criteria. Collection method: clinical testing. Allele origin: germline. Observed: 3 variant alleles.
Comment: Asn322Asp in Exon 08 of SLC26A4: This variant is not expected to have clinical s ignificance because it has been identified in 0.5% (18/3738) of African American chromosomes from a broad population by the NHLBI Exome Sequencing Project (dbSNP rs143002265).

PreventionGenetics, part of Exact Sciences
Classification: Likely benign for SLC26A4-related condition. Last evaluated: 2023-05-10. Review status: no assertion criteria provided. Collection method: clinical testing. Allele origin: germline. Not counted in ClinVar's aggregate classification.
Comment: This variant is classified as likely benign based on ACMG/AMP sequence variant interpretation guidelines (Richards et al. 2015 PMID: 25741868, with internal and published modifications).

Natera, Inc.
Classification: Uncertain significance for Pendred syndrome. Last evaluated: 2020-01-07. Review status: no assertion criteria provided. Collection method: clinical testing. Allele origin: germline. Not counted in ClinVar's aggregate classification.

Clinical Genetics DNA and cytogenetics Diagnostics Lab, Erasmus MC, Erasmus Medical Center
Classification: Likely benign. Review status: no assertion criteria provided. Collection method: clinical testing. Allele origin: germline. Affected: yes. Study: VKGL Data-share Consensus. Not counted in ClinVar's aggregate classification.

Clinical Genetics, Academic Medical Center
Classification: Likely benign. Review status: no assertion criteria provided. Collection method: clinical testing. Allele origin: germline. Affected: yes. Study: VKGL Data-share Consensus. Not counted in ClinVar's aggregate classification.

Literature cited by the submitters: PubMed 17309986 (cited by Women's Health and Genetics/Laboratory Corporation of America, LabCorp and Illumina Laboratory Services, Illumina); PubMed 23401162 (cited by 3 submitters); PubMed 21704276 (cited by 3 submitters).

NM_000441.2(SLC26A4):c.964A>G (p.Asn322Asp)

Gene: SLC26A4 (solute carrier family 26 member 4; plus strand). Cytogenetic location: 7q22.3.
Variant type: single nucleotide variant.
Coding change: c.964A>G on transcript NM_000441.2 (MANE Select); coding-DNA position 964, A replaced by G.
Protein change: p.Asn322Asp; replaces asparagine 322 with aspartic acid.
Molecular consequence: missense variant.
Genome position (GRCh38, 1-based): chr7:107,683,500, A>G. VCF-style: chr7-107683500-A-G. GRCh37 (hg19) VCF-style: chr7-107323945-A-G.
Other names: short protein forms N322D.
Identifiers: ClinVar variation 43573 (VCV000043573.34), dbSNP rs143002265, ClinGen allele CA132742.